The following is an entry in ClinVar:

NM_001040142.2(SCN2A):c.679A>G (p.Thr227Ala)

Gene: SCN2A (sodium voltage-gated channel alpha subunit 2; plus strand). Cytogenetic location: 2q24.3.
Variant type: single nucleotide variant.
Coding change: c.679A>G on transcript NM_001040142.2 (MANE Select); coding-DNA position 679, A replaced by G.
Protein change: p.Thr227Ala; replaces threonine 227 with alanine.
Molecular consequence: missense variant. On other transcripts: intron variant (2).
Genome position (GRCh38, 1-based): chr2:165,309,425, A>G. VCF-style: chr2-165309425-A-G. GRCh37 (hg19) VCF-style: chr2-166165935-A-G.
Other names: c.679A>G, p.Thr227Ala (NM_001371247.1, NM_021007.3); c.697+169A>G (NM_001040143.2, NM_001371246.1); short protein forms T227A.
Identifiers: ClinVar variation 577821 (VCV000577821.1), dbSNP rs1559352572, ClinGen allele CA349017568.
Genomic context (GRCh38, chr2:165,309,425, plus strand): 5'-TTTGTGGACCTGGGCAATGTCTCAGCGTTGAGAACATTCAGAGTTCTCCGAGCATTGAAA[A>G]CAATTTCAGTCATTCCAGGTGAGAGCTAGGTTAAACACCGAGGCTGACTTTAGCTACAGT-3'
Protein context (NP_001035232.1, residues 217-237): RTFRVLRALK[Thr227Ala]ISVIPGLKTI

ClinVar aggregate classification (germline): Uncertain significance (1 of 4 stars; one submission).

Conditions:
Developmental and epileptic encephalopathy, 11 (DEE11). Also called: Early infantile epileptic encephalopathy 11. Identifiers: Orphanet 1934, MedGen C3150987, MONDO:0013388, OMIM 613721.
Seizures, benign familial infantile, 3 (BFIS3). Also called: CONVULSIONS, BENIGN FAMILIAL INFANTILE, 3; Familial neonatal seizures. Identifiers: Orphanet 140927, Orphanet 306, MedGen C1843140, MONDO:0011904, OMIM 607745.

Submission:

Labcorp Genetics (formerly Invitae), Labcorp
Classification: Uncertain significance for Benign familial neonatal-infantile seizures; Early infantile epileptic encephalopathy 11. Last evaluated: 2018-07-03. Review status: criteria provided, single submitter. Criteria: Invitae Variant Classification Sherloc (09022015). Collection method: clinical testing. Allele origin: germline.
Comment: This sequence change replaces threonine with alanine at codon 227 of the SCN2A protein (p.Thr227Ala). The threonine residue is highly conserved and there is a small physicochemical difference between threonine and alanine. This variant is not present in population databases (ExAC no frequency). This variant has not been reported in the literature in individuals with SCN2A-related disease. Algorithms developed to predict the effect of missense changes on protein structure and function are either unavailable or do not agree on the potential impact of this missense change (SIFT: "Deleterious"; PolyPhen-2: "Possibly Damaging"; Align-GVGD: "Class C0"). In summary, the available evidence is currently insufficient to determine the role of this variant in disease. Therefore, it has been classified as a Variant of Uncertain Significance.